The following is an entry in ClinVar:

ClinVar aggregate classification (germline): Pathogenic/Likely pathogenic. Review status: criteria provided, multiple submitters, no conflicts (2 of 4 stars). 2 submissions from 2 submitters: Pathogenic (1); Likely pathogenic (1). Last evaluated 2022-04-13.

Conditions:
Cataract-growth hormone deficiency-sensory neuropathy-sensorineural hearing loss-skeletal dysplasia syndrome. Also called: Cataracts, growth hormone deficiency, sensory neuropathy, sensorineural hearing loss, and skeletal dysplasia. Identifiers: Orphanet 436174, MedGen C4014942, MONDO:0014455, OMIM 616007.

Allele frequency attached by ClinVar (database versions not stated): gnomAD exomes below 0.00001; gnomAD 0.00001; ExAC 0.00002; TOPMed 0.00002; 1000 Genomes Project 30x 0.00016; 1000 Genomes Project 0.00020.
gnomAD v4.1: 9 of 1,614,102 alleles (0.00056%); highest among the groups gnomAD compares: East Asian, 0.0022%; no homozygotes.

Submissions (2):

GeneDx
Classification: Likely pathogenic. Last evaluated: 2022-04-13. Review status: criteria provided, single submitter. Criteria: GeneDx Variant Classification Process June 2021. Collection method: clinical testing. Allele origin: germline. Affected: yes.
Comment: Nonsense variant predicted to result in protein truncation or nonsense mediated decay in a gene for which loss of function is a known mechanism of disease; Not observed at significant frequency in large population cohorts (gnomAD); Identified in two brothers with isolated pediatric cataracts in published literature (Li et al., 2018); This variant is associated with the following publications: (PMID: 34426522, 29914532)

Juno Genomics, Hangzhou Juno Genomics, Inc
Classification: Pathogenic for Cataract-growth hormone deficiency-sensory neuropathy-sensorineural hearing loss-skeletal dysplasia syndrome. Review status: criteria provided, single submitter. Criteria: ACMG Guidelines, 2015. Collection method: clinical testing. Allele origin: germline.
Comment: Absent from controls (or at extremely low frequency if recessive) in Genome Aggregation Database.;Null variant in a gene where loss of function (LOF) is a known mechanism of disease.;Co-segregation with disease in multiple affected family members.

NM_018060.4(IARS2):c.2446C>T (p.Arg816Ter)

Gene: IARS2 (isoleucyl-tRNA synthetase 2, mitochondrial; plus strand). Cytogenetic location: 1q41.
Variant type: single nucleotide variant.
Coding change: c.2446C>T on transcript NM_018060.4 (MANE Select); coding-DNA position 2446, C replaced by T.
Protein change: p.Arg816Ter; replaces arginine 816 with a stop codon.
Molecular consequence: nonsense.
Genome position (GRCh38, 1-based): chr1:220,141,834, C>T. VCF-style: chr1-220141834-C-T. GRCh37 (hg19) VCF-style: chr1-220315176-C-T.
Other names: short protein forms R816*.
Identifiers: ClinVar variation 1710798 (VCV001710798.4), dbSNP rs532672867, ClinGen allele CA1401778.